The following is an entry in ClinVar:

ClinVar aggregate classification (germline): Uncertain significance (1 of 4 stars; one submission).

Conditions:
Norman-Roberts syndrome (LIS2). Also called: Lissencephaly 2 (Norman-Roberts type). Identifiers: Orphanet 89844, MedGen C0796089, MONDO:0009760, OMIM 257320.
Familial temporal lobe epilepsy 7. Identifiers: Orphanet 101046, MedGen C4225327, MONDO:0014639, OMIM 616436.

Allele frequency attached by ClinVar (database versions not stated): gnomAD 0.00001.
gnomAD v4.1: 1 of 1,613,770 alleles (0.000062%); highest among the groups gnomAD compares: African/African-American, 0.0013%; no homozygotes.

Submission:

Labcorp Genetics (formerly Invitae), Labcorp
Classification: Uncertain significance for Familial temporal lobe epilepsy 7; Norman-Roberts syndrome. Last evaluated: 2023-11-06. Review status: criteria provided, single submitter. Criteria: Invitae Variant Classification Sherloc (09022015). Collection method: clinical testing. Allele origin: germline.
Comment: This sequence change replaces asparagine, which is neutral and polar, with serine, which is neutral and polar, at codon 946 of the RELN protein (p.Asn946Ser). This variant is not present in population databases (gnomAD no frequency). This variant has not been reported in the literature in individuals affected with RELN-related conditions. Advanced modeling of protein sequence and biophysical properties (such as structural, functional, and spatial information, amino acid conservation, physicochemical variation, residue mobility, and thermodynamic stability) performed at Invitae indicates that this missense variant is not expected to disrupt RELN protein function with a negative predictive value of 80%. In summary, the available evidence is currently insufficient to determine the role of this variant in disease. Therefore, it has been classified as a Variant of Uncertain Significance.

NM_005045.4(RELN):c.2837A>G (p.Asn946Ser)

Gene: RELN (reelin; minus strand). Cytogenetic location: 7q22.1.
Variant type: single nucleotide variant.
Coding change: c.2837A>G on transcript NM_005045.4 (MANE Select); coding-DNA position 2837, A replaced by G.
Protein change: p.Asn946Ser; replaces asparagine 946 with serine.
Molecular consequence: missense variant.
Genome position (GRCh38, 1-based): chr7:103,611,669, T>C on the plus strand (A>G on the coding strand, the complement: RELN is on the minus strand). VCF-style: chr7-103611669-T-C. GRCh37 (hg19) VCF-style: chr7-103252116-T-C.
Other names: c.2837A>G, p.Asn946Ser (NM_173054.3); short protein forms N946S.
Identifiers: ClinVar variation 2931714 (VCV002931714.3), dbSNP rs755678197, ClinGen allele CA368754324.